The following is an entry in ClinVar:

NM_000271.5(NPC1):c.1793A>G (p.Asn598Ser)

Gene: NPC1 (NPC intracellular cholesterol transporter 1; minus strand). Cytogenetic location: 18q11.2.
Variant type: single nucleotide variant.
Coding change: c.1793A>G on transcript NM_000271.5 (MANE Select); coding-DNA position 1793, A replaced by G.
Protein change: p.Asn598Ser; replaces asparagine 598 with serine.
Molecular consequence: missense variant.
Genome position (GRCh38, 1-based): chr18:23,545,114, T>C on the plus strand (A>G on the coding strand, the complement: NPC1 is on the minus strand). VCF-style: chr18-23545114-T-C. GRCh37 (hg19) VCF-style: chr18-21125078-T-C.
Other names: short protein forms N598S.
Identifiers: ClinVar variation 1305370 (VCV001305370.4), dbSNP rs201236716, ClinGen allele CA8913366.

ClinVar aggregate classification (germline): Uncertain significance. Review status: criteria provided, multiple submitters, no conflicts (2 of 4 stars). 2 submissions from 2 submitters: Uncertain significance (2). Last evaluated 2024-05-12.

Conditions:
Niemann-Pick disease, type C1. Also called: NEUROVISCERAL STORAGE DISEASE WITH VERTICAL SUPRANUCLEAR OPHTHALMOPLEGIA; NIEMANN-PICK DISEASE WITH CHOLESTEROL ESTERIFICATION BLOCK; NIEMANN-PICK DISEASE WITHOUT SPHINGOMYELINASE DEFICIENCY; NIEMANN-PICK DISEASE, CHRONIC NEURONOPATHIC FORM; NIEMANN-PICK DISEASE, VARIANT TYPE C1. Identifiers: Orphanet 646, MedGen C3179455, MONDO:0009757, OMIM 257220.

Allele frequency attached by ClinVar (database versions not stated): gnomAD 0.00001 and 0.00002; ExAC 0.00002; gnomAD exomes 0.00003 and 0.00009; TOPMed 0.00005; 1000 Genomes Project 0.00020; 1000 Genomes Project 30x 0.00047.
gnomAD v4.1: 133 of 1,613,488 alleles (0.0082%); highest among the groups gnomAD compares: Non-Finnish European, 0.011%; no homozygotes.

Submissions (2):

GeneDx
Classification: Uncertain significance. Last evaluated: 2024-05-12. Review status: criteria provided, single submitter. Criteria: GeneDx Variant Classification Process June 2021. Collection method: clinical testing. Allele origin: germline. Affected: yes.
Comment: Not observed at significant frequency in large population cohorts (gnomAD); In silico analysis supports that this missense variant has a deleterious effect on protein structure/function; Has not been previously published as pathogenic or benign, in association with Niemann-Pick disease, to our knowledge; This variant is associated with the following publications: (PMID: 36890159)

Labcorp Genetics (formerly Invitae), Labcorp
Classification: Uncertain significance for Niemann-Pick disease, type C1. Last evaluated: 2021-08-27. Review status: criteria provided, single submitter. Criteria: Invitae Variant Classification Sherloc (09022015). Collection method: clinical testing. Allele origin: germline.
Comment: This sequence change replaces asparagine with serine at codon 598 of the NPC1 protein (p.Asn598Ser). The asparagine residue is moderately conserved and there is a small physicochemical difference between asparagine and serine. This variant is present in population databases (rs201236716, ExAC 0.004%). This variant has not been reported in the literature in individuals affected with NPC1-related conditions. Algorithms developed to predict the effect of missense changes on protein structure and function (SIFT, PolyPhen-2, Align-GVGD) all suggest that this variant is likely to be tolerated. In summary, the available evidence is currently insufficient to determine the role of this variant in disease. Therefore, it has been classified as a Variant of Uncertain Significance.